The following is an entry in ClinVar:

NM_001363118.2(SLC52A2):c.371C>T (p.Ala124Val)

Gene: SLC52A2 (solute carrier family 52 member 2; plus strand). Cytogenetic location: 8q24.3.
Variant type: single nucleotide variant.
Coding change: c.371C>T on transcript NM_001363118.2 (MANE Select); coding-DNA position 371, C replaced by T.
Protein change: p.Ala124Val; replaces alanine 124 with valine.
Molecular consequence: missense variant. On other transcripts: non-coding transcript variant (1), intron variant (1).
Genome position (GRCh38, 1-based): chr8:144,359,863, C>T. VCF-style: chr8-144359863-C-T. GRCh37 (hg19) VCF-style: chr8-145583523-C-T.
Other names: c.371C>T, p.Ala124Val (NM_001253815.2, NM_001253816.2, NM_001363120.2 and 2 more transcripts); c.131-252C>T (NM_001363122.2); short protein forms A124V.
Identifiers: ClinVar variation 1006486 (VCV001006486.2), dbSNP rs200753132, ClinGen allele CA4938176.

ClinVar aggregate classification (germline): Uncertain significance (1 of 4 stars; one submission).

Conditions:
Brown-Vialetto-van Laere syndrome 2. Also called: Riboflavin transporter deficiency type 2; SPINOCEREBELLAR ATAXIA WITH BLINDNESS AND DEAFNESS 2. Identifiers: Orphanet 572543, Orphanet 97229, MedGen C3553538, MONDO:0013867, OMIM 614707.

Allele frequency attached by ClinVar (database versions not stated): gnomAD exomes 0.00004 and 0.00001; ExAC 0.00005; gnomAD 0.00001; 1000 Genomes Project 30x 0.00016; TOPMed 0.00002; 1000 Genomes Project 0.00020.
gnomAD v4.1: 9 of 1,613,760 alleles (0.00056%); highest among the groups gnomAD compares: Admixed American, 0.01%; no homozygotes.

Submission:

Labcorp Genetics (formerly Invitae), Labcorp
Classification: Uncertain significance for Brown-Vialetto-van Laere syndrome 2. Last evaluated: 2022-08-23. Review status: criteria provided, single submitter. Criteria: Invitae Variant Classification Sherloc (09022015). Collection method: clinical testing. Allele origin: germline.
Comment: This sequence change replaces alanine, which is neutral and non-polar, with valine, which is neutral and non-polar, at codon 124 of the SLC52A2 protein (p.Ala124Val). This variant is present in population databases (rs200753132, gnomAD 0.02%). This variant has not been reported in the literature in individuals affected with SLC52A2-related conditions. ClinVar contains an entry for this variant (Variation ID: 1006486). Advanced modeling of protein sequence and biophysical properties (such as structural, functional, and spatial information, amino acid conservation, physicochemical variation, residue mobility, and thermodynamic stability) performed at Invitae indicates that this missense variant is not expected to disrupt SLC52A2 protein function. Algorithms developed to predict the effect of sequence changes on RNA splicing suggest that this variant may create or strengthen a splice site. In summary, the available evidence is currently insufficient to determine the role of this variant in disease. Therefore, it has been classified as a Variant of Uncertain Significance.